The following is an entry in ClinVar:

ClinVar aggregate classification (germline): Uncertain significance (1 of 4 stars; one submission).

Submission:

Labcorp Genetics (formerly Invitae), Labcorp
Classification: Uncertain significance. Last evaluated: 2022-10-27. Review status: criteria provided, single submitter. Criteria: Invitae Variant Classification Sherloc (09022015). Collection method: clinical testing. Allele origin: germline.
Comment: In summary, the available evidence is currently insufficient to determine the role of this variant in disease. Therefore, it has been classified as a Variant of Uncertain Significance. Advanced modeling of protein sequence and biophysical properties (such as structural, functional, and spatial information, amino acid conservation, physicochemical variation, residue mobility, and thermodynamic stability) performed at Invitae indicates that this missense variant is not expected to disrupt RP1L1 protein function. This variant has not been reported in the literature in individuals affected with RP1L1-related conditions. This variant is not present in population databases (gnomAD no frequency). This sequence change replaces proline, which is neutral and non-polar, with threonine, which is neutral and polar, at codon 19 of the RP1L1 protein (p.Pro19Thr).

NM_178857.6(RP1L1):c.55C>A (p.Pro19Thr)

Gene: RP1L1 (RP1 like 1). Cytogenetic location: 8p23.1.
Variant type: single nucleotide variant.
Coding change: c.55C>A on transcript NM_178857.6 (MANE Select); coding-DNA position 55, C replaced by A.
Protein change: p.Pro19Thr; replaces proline 19 with threonine.
Molecular consequence: missense variant.
Genome position (GRCh38, 1-based): chr8:10,623,147, G>T on the plus strand (C>A on the coding strand, the complement: RP1L1 is on the minus strand). VCF-style: chr8-10623147-G-T. GRCh37 (hg19) VCF-style: chr8-10480657-G-T.
Other names: short protein forms P19T.
Identifiers: ClinVar variation 2810157 (VCV002810157.3), dbSNP rs1798098843, ClinGen allele CA370301201.